The following is an entry in ClinVar:

ClinVar aggregate classification (germline): Uncertain significance (1 of 4 stars; one submission).

Submission:

GeneDx
Classification: Uncertain significance. Last evaluated: 2026-04-15. Review status: criteria provided, single submitter. Criteria: GeneDx Variant Classification Process June 2021. Collection method: clinical testing. Allele origin: germline.
Comment: Not observed at significant frequency in large population cohorts (gnomAD); In silico analysis supports that this missense variant has a deleterious effect on protein structure/function; Has not been previously published as pathogenic or benign to our knowledge

NM_138927.4(SON):c.35T>C (p.Phe12Ser)

Gene: SON (SON DNA and RNA binding protein; plus strand). Cytogenetic location: 21q22.11.
Variant type: single nucleotide variant.
Coding change: c.35T>C on transcript NM_138927.4 (MANE Select); coding-DNA position 35, T replaced by C.
Protein change: p.Phe12Ser; replaces phenylalanine 12 with serine.
Molecular consequence: missense variant. On other transcripts: non-coding transcript variant (1).
Genome position (GRCh38, 1-based): chr21:33,543,127, T>C. VCF-style: chr21-33543127-T-C. GRCh37 (hg19) VCF-style: chr21-34915433-T-C.
Other names: c.35T>C, p.Phe12Ser (NM_001291412.3, NM_032195.3, NM_001291411.2); short protein forms F12S.
Identifiers: ClinVar variation 5037291 (VCV005037291.1).